The following is an entry in ClinVar:

NM_001854.4(COL11A1):c.1737+2T>G

Gene: COL11A1 (collagen type XI alpha 1 chain; minus strand). Cytogenetic location: 1p21.1.
Variant type: single nucleotide variant.
Coding change: c.1737+2T>G on transcript NM_001854.4 (MANE Select); the canonical splice donor site of the intron after coding-DNA position 1737, T replaced by G.
Molecular consequence: splice donor variant.
Genome position (GRCh38, 1-based): chr1:103,006,260, A>C on the plus strand (T>G on the coding strand, the complement: COL11A1 is on the minus strand). VCF-style: chr1-103006260-A-C. GRCh37 (hg19) VCF-style: chr1-103471816-A-C.
Other names: c.1620+2T>G (NM_001190709.2); c.1773+2T>G (NM_080629.3); c.1389+2T>G (NM_080630.4).
Identifiers: ClinVar variation 2695208 (VCV002695208.3), dbSNP rs2525408546, ClinGen allele CA341174880.

ClinVar aggregate classification (germline): Pathogenic (1 of 4 stars; one submission).

Submission:

Labcorp Genetics (formerly Invitae), Labcorp
Classification: Pathogenic. Last evaluated: 2023-11-12. Review status: criteria provided, single submitter. Criteria: Invitae Variant Classification Sherloc (09022015). Collection method: clinical testing. Allele origin: germline.
Comment: This sequence change affects a donor splice site in intron 16 of the COL11A1 gene. It is expected to disrupt RNA splicing. Variants that disrupt the donor or acceptor splice site typically lead to a loss of protein function (PMID: 16199547), and loss-of-function variants in COL11A1 are known to be pathogenic (PMID: 20513134, 21035103, 23922384, 25240749, 32427345, 32756486). This variant is not present in population databases (gnomAD no frequency). Disruption of this splice site has been observed in individual(s) with Stickler syndrome (PMID: 31427586). Algorithms developed to predict the effect of sequence changes on RNA splicing suggest that this variant may disrupt the consensus splice site. For these reasons, this variant has been classified as Pathogenic.

Literature cited by the submitters: PubMed 16199547; PubMed 20513134; PubMed 21035103; PubMed 23922384; PubMed 25240749; PubMed 32427345; PubMed 32756486; PubMed 31427586.